The following is an entry in ClinVar:

ClinVar aggregate classification (germline): Uncertain significance. Review status: criteria provided, multiple submitters, no conflicts (2 of 4 stars). 2 submissions from 2 submitters: Uncertain significance (2). Last evaluated 2025-05-25.

Conditions:
Inborn genetic diseases. Identifiers: MedGen C0950123, MeSH D030342.

Allele frequency attached by ClinVar (database versions not stated): gnomAD 0.00001; TOPMed 0.00004.

Submissions (2):

Ambry Genetics
Classification: Uncertain significance for Inborn genetic diseases. Last evaluated: 2025-05-25. Review status: criteria provided, single submitter. Criteria: Ambry Variant Classification Scheme 2023. Collection method: clinical testing. Allele origin: germline.

Labcorp Genetics (formerly Invitae), Labcorp
Classification: Uncertain significance. Last evaluated: 2025-04-22. Review status: criteria provided, single submitter. Criteria: Invitae Variant Classification Sherloc (09022015). Collection method: clinical testing. Allele origin: germline.
Comment: This sequence change replaces histidine, which is basic and polar, with glutamine, which is neutral and polar, at codon 20 of the TRIM8 protein (p.His20Gln). This variant is present in population databases (no rsID available, gnomAD no frequency). This variant has not been reported in the literature in individuals affected with TRIM8-related conditions. ClinVar contains an entry for this variant (Variation ID: 1899368). An algorithm developed to predict the effect of missense changes on protein structure and function (PolyPhen-2) suggests that this variant is likely to be disruptive. In summary, the available evidence is currently insufficient to determine the role of this variant in disease. Therefore, it has been classified as a Variant of Uncertain Significance.

NM_030912.3(TRIM8):c.60C>A (p.His20Gln)

Gene: TRIM8 (tripartite motif containing 8; plus strand). Cytogenetic location: 10q24.32.
Variant type: single nucleotide variant.
Coding change: c.60C>A on transcript NM_030912.3 (MANE Select); coding-DNA position 60, C replaced by A.
Protein change: p.His20Gln; replaces histidine 20 with glutamine.
Molecular consequence: missense variant. On other transcripts: non-coding transcript variant (1).
Genome position (GRCh38, 1-based): chr10:102,644,677, C>A. VCF-style: chr10-102644677-C-A. GRCh37 (hg19) VCF-style: chr10-104404434-C-A.
Other names: c.60C>A, p.His20Gln (NM_001345950.1); c.60C>A (NM_030912.2); short protein forms H20Q.
Identifiers: ClinVar variation 1899368 (VCV001899368.6), dbSNP rs964615787, ClinGen allele CA212260024.